The following is an entry in ClinVar:

ClinVar aggregate classification (germline): Likely benign (1 of 4 stars; one submission).

Conditions:
SEMA3D-related disorder. Also called: SEMA3D-related condition.

gnomAD v4.1: 4 of 1,607,520 alleles (0.00025%); highest among the groups gnomAD compares: African/African-American, 0.0054%; no homozygotes.

Submission:

PreventionGenetics, part of Exact Sciences
Classification: Likely benign for SEMA3D-related condition. Last evaluated: 2024-10-28. Review status: criteria provided, single submitter. Criteria: ACMG Guidelines, 2015. Collection method: clinical testing. Allele origin: germline.
Comment: This variant is classified as likely benign based on ACMG/AMP sequence variant interpretation guidelines (Richards et al. 2015 PMID: 25741868, with internal and published modifications).

NM_001384900.1(SEMA3D):c.276A>G (p.Leu92=)

Gene: SEMA3D (semaphorin 3D; minus strand). Cytogenetic location: 7q21.11.
Variant type: single nucleotide variant.
Coding change: c.276A>G on transcript NM_001384900.1 (MANE Select); coding-DNA position 276, A replaced by G.
Protein change: p.Leu92=; no amino-acid change (leucine 92 retained).
Molecular consequence: synonymous variant.
Genome position (GRCh38, 1-based): chr7:85,097,841, T>C on the plus strand (A>G on the coding strand, the complement: SEMA3D is on the minus strand). VCF-style: chr7-85097841-T-C. GRCh37 (hg19) VCF-style: chr7-84727157-T-C.
Other names: c.276A>G, p.Leu92= (NM_001384901.1, NM_001384902.1, NM_001384903.1 and 1 more transcripts).
Identifiers: ClinVar variation 4979959 (VCV004979959.1).